The following is an entry in ClinVar:

ClinVar aggregate classification (germline): Pathogenic. Review status: criteria provided, single submitter (1 of 4 stars). 2 submissions from 2 submitters: Pathogenic (1). 1 of the submissions does not count toward it. Last evaluated 2023-11-27.

Conditions:
Autosomal recessive limb-girdle muscular dystrophy type 2F (LGMDR6). Also called: Muscular dystrophy limb-girdle with delta-sarcoglyan deficiency; MUSCULAR DYSTROPHY, LIMB-GIRDLE, AUTOSOMAL RECESSIVE 6. Identifiers: Orphanet 219, MedGen C1832525, MONDO:0011028, OMIM 601287. Disease mechanism: Affects gamma-sarcoglycan and also disrupts the integrity of the entire sarcoglycan complex..

Submissions (2):

Labcorp Genetics (formerly Invitae), Labcorp
Classification: Pathogenic for Autosomal recessive limb-girdle muscular dystrophy type 2F. Last evaluated: 2023-11-27. Review status: criteria provided, single submitter. Criteria: Invitae Variant Classification Sherloc (09022015). Collection method: clinical testing. Allele origin: germline.
Comment: This sequence change creates a premature translational stop signal (p.Trp30*) in the SGCD gene. It is expected to result in an absent or disrupted protein product. Loss-of-function variants in SGCD are known to be pathogenic (PMID: 8841194, 10735275, 10838250). This variant is not present in population databases (gnomAD no frequency). This premature translational stop signal has been observed in individual(s) with clinical features of limb-girdle muscular dystrophy (PMID: 10735275). ClinVar contains an entry for this variant (Variation ID: 8173). For these reasons, this variant has been classified as Pathogenic.

OMIM
Classification: Pathogenic for MUSCULAR DYSTROPHY, LIMB-GIRDLE, AUTOSOMAL RECESSIVE 6. Last evaluated: 1997-05-01. Review status: no assertion criteria provided. Collection method: literature only. Allele origin: germline. Not counted in ClinVar's aggregate classification.

Literature cited by the submitters: PubMed 8841194 (cited by Labcorp Genetics (formerly Invitae), Labcorp); PubMed 10735275 (cited by Labcorp Genetics (formerly Invitae), Labcorp and OMIM); PubMed 10838250 (cited by Labcorp Genetics (formerly Invitae), Labcorp).

NM_000337.6(SGCD):c.89G>A (p.Trp30Ter)

Gene: SGCD (sarcoglycan delta; plus strand). Cytogenetic location: 5q33.3.
Variant type: single nucleotide variant.
Coding change: c.89G>A on transcript NM_000337.6 (MANE Select); coding-DNA position 89, G replaced by A.
Protein change: p.Trp30Ter; replaces tryptophan 30 with a stop codon.
Molecular consequence: nonsense.
Genome position (GRCh38, 1-based): chr5:156,344,574, G>A. VCF-style: chr5-156344574-G-A. GRCh37 (hg19) VCF-style: chr5-155771584-G-A.
Other names: c.86G>A, p.Trp29Ter (NM_001128209.2); c.89G>A, p.Trp30Ter (NM_172244.3); short protein forms W30*, W29*.
Identifiers: ClinVar variation 8173 (VCV000008173.6), dbSNP rs121909296, ClinGen allele CA340750.